The following is an entry in ClinVar:

ClinVar aggregate classification (germline): Pathogenic (1 of 4 stars; one submission).

Conditions:
Brooke-Spiegler syndrome. Also called: CYLD Cutaneous Syndrome. Identifiers: Orphanet 79493, MedGen C1857941, MONDO:0011512, OMIM 605041.

Submission:

Genomic Diagnostic Laboratory, Division of Genomic Diagnostics, Children's Hospital of Philadelphia
Classification: Pathogenic for Brooke-Spiegler syndrome. Last evaluated: 2016-09-23. Review status: criteria provided, single submitter. Criteria: DGD Variant Analysis Guidelines. Collection method: clinical testing. Allele origin: germline. Affected: yes. Observed: 1 variant allele.
Comment: Clinical Testing

NM_001378743.1(CYLD):c.1599dup (p.Val534fs)

Gene: CYLD (CYLD lysine 63 deubiquitinase; plus strand). Cytogenetic location: 16q12.1.
Variant type: Duplication.
Coding change: c.1599dup on transcript NM_001378743.1 (MANE Select); coding-DNA position 1599, one base duplicated (T; older notation c.1599dupT).
Protein change: p.Val534fs; shifts the reading frame from valine 534.
Molecular consequence: frameshift variant.
Genome position (GRCh38, 1-based): chr16:50,781,326, T duplicated; the last of 3 consecutive T bases (chr16:50,781,324-50,781,326); duplicating any one gives the same sequence. VCF-style (leftmost placement, unchanged base first): chr16-50781323-G-GT. GRCh37 (hg19) VCF-style: chr16-50815234-G-GT.
Other names: c.1590dup, p.Val531fs (NM_001042355.2, NM_001042412.3, NM_001378744.1 and 6 more transcripts); c.1560dup, p.Val521fs (NM_001378751.1, NM_001378752.1, NM_001378753.1); c.1599dupT (NM_015247.2); c.924dup, p.Val309fs (NM_001378754.1, NM_001378755.1); c.1599dup, p.Val534fs (NM_015247.3); short protein forms V531fs, V534fs, V309fs, V521fs.
Identifiers: ClinVar variation 267236 (VCV000267236.1), dbSNP rs886040875, ClinGen allele CA10590073.